The following is an entry in ClinVar:

NM_172107.4(KCNQ2):c.928-10T>A

Gene: KCNQ2 (potassium voltage-gated channel subfamily Q member 2; minus strand). Cytogenetic location: 20q13.33.
Variant type: single nucleotide variant.
Coding change: c.928-10T>A on transcript NM_172107.4 (MANE Select); 10 bases into the intron before coding-DNA position 928, T replaced by A.
Molecular consequence: intron variant.
Genome position (GRCh38, 1-based): chr20:63,438,730, A>T on the plus strand (T>A on the coding strand, the complement: KCNQ2 is on the minus strand). VCF-style: chr20-63438730-A-T. GRCh37 (hg19) VCF-style: chr20-62070083-A-T.
Other names: c.928-10T>A (NM_004518.6, NM_172108.5, NM_172106.3 and 2 more transcripts).
Identifiers: ClinVar variation 2033742 (VCV002033742.4), dbSNP rs2516410354, ClinGen allele CA2580098399.
Genomic context (GRCh38, chr20:63,438,730, plus strand): 5'-CTGCCTGTGCTGCTCCTGAACCTTCAGGGCAAACCCAGACCCCAAGATGCCCTGCAATTC[A>T]TCAGGGTCAGGTCACACCCCAGGGACCCCCCACACCCCAATTCATCAGGGTCAGACCATG-3'

ClinVar aggregate classification (germline): Uncertain significance (1 of 4 stars; one submission).

Conditions:
Early-infantile DEE. Also called: Ohtahara syndrome; Early infantile epileptic encephalopathy with suppression bursts; Early infantile epileptic encephalopathy. Identifiers: Orphanet 1934, MedGen C0393706, MONDO:0800491.

Submission:

Labcorp Genetics (formerly Invitae), Labcorp
Classification: Uncertain significance for Early-infantile DEE. Last evaluated: 2022-10-20. Review status: criteria provided, single submitter. Criteria: Invitae Variant Classification Sherloc (09022015). Collection method: clinical testing. Allele origin: germline.
Comment: This sequence change falls in intron 6 of the KCNQ2 gene. It does not directly change the encoded amino acid sequence of the KCNQ2 protein. This variant is not present in population databases (gnomAD no frequency). This variant has not been reported in the literature in individuals affected with KCNQ2-related conditions. Algorithms developed to predict the effect of sequence changes on RNA splicing suggest that this variant may disrupt the consensus splice site. In summary, the available evidence is currently insufficient to determine the role of this variant in disease. Therefore, it has been classified as a Variant of Uncertain Significance.